The following is an entry in ClinVar:

NM_025081.3(NYNRIN):c.2149C>G (p.Gln717Glu)

Gene: NYNRIN (NYN domain and retroviral integrase containing; plus strand). Cytogenetic location: 14q12.
Variant type: single nucleotide variant.
Coding change: c.2149C>G on transcript NM_025081.3 (MANE Select); coding-DNA position 2149, C replaced by G.
Protein change: p.Gln717Glu; replaces glutamine 717 with glutamic acid.
Molecular consequence: missense variant.
Genome position (GRCh38, 1-based): chr14:24,409,943, C>G. VCF-style: chr14-24409943-C-G. GRCh37 (hg19) VCF-style: chr14-24879149-C-G.
Other names: c.2149C>G (NM_025081.2); short protein forms Q717E.
Identifiers: ClinVar variation 3631148 (VCV003631148.3).

ClinVar aggregate classification (germline): Uncertain significance. Review status: criteria provided, multiple submitters, no conflicts (2 of 4 stars). 2 submissions from 2 submitters: Uncertain significance (2). Last evaluated 2025-12-15.

gnomAD v4.1: 51 of 1,613,628 alleles (0.0032%); highest among the groups gnomAD compares: Non-Finnish European, 0.0041%; no homozygotes.

Submissions (2):

Ambry Genetics
Classification: Uncertain significance. Last evaluated: 2025-12-15. Review status: criteria provided, single submitter. Criteria: Ambry Variant Classification Scheme 2023. Collection method: clinical testing. Allele origin: germline.

Labcorp Genetics (formerly Invitae), Labcorp
Classification: Uncertain significance. Last evaluated: 2024-09-10. Review status: criteria provided, single submitter. Criteria: Invitae Variant Classification Sherloc (09022015). Collection method: clinical testing. Allele origin: germline.
Comment: This sequence change replaces glutamine, which is neutral and polar, with glutamic acid, which is acidic and polar, at codon 717 of the NYNRIN protein (p.Gln717Glu). This variant is present in population databases (no rsID available, gnomAD 0.003%). This variant has not been reported in the literature in individuals affected with NYNRIN-related conditions. Experimental studies and prediction algorithms are not available or were not evaluated, and the functional significance of this variant is currently unknown. In summary, the available evidence is currently insufficient to determine the role of this variant in disease. Therefore, it has been classified as a Variant of Uncertain Significance.